The following is an entry in ClinVar:

NM_007254.4(PNKP):c.817-4G>T

Gene: PNKP (polynucleotide kinase 3'-phosphatase; minus strand). Cytogenetic location: 19q13.33.
Variant type: single nucleotide variant.
Coding change: c.817-4G>T on transcript NM_007254.4 (MANE Select); 4 bases into the intron before coding-DNA position 817, G replaced by T.
Molecular consequence: intron variant.
Genome position (GRCh38, 1-based): chr19:49,862,742, C>A on the plus strand (G>T on the coding strand, the complement: PNKP is on the minus strand). VCF-style: chr19-49862742-C-A. GRCh37 (hg19) VCF-style: chr19-50365999-C-A.
Identifiers: ClinVar variation 507014 (VCV000507014.9), dbSNP rs377241372, ClinGen allele CA658799286.

ClinVar aggregate classification (germline): Likely benign. Review status: criteria provided, multiple submitters, no conflicts (2 of 4 stars). 2 submissions from 2 submitters: Likely benign (2). Last evaluated 2023-08-17.

Conditions:
Developmental and epileptic encephalopathy, 12 (DEE12). Identifiers: MedGen C3150988, MONDO:0013389, OMIM 613722.

gnomAD v4.1: 1 of 1,613,948 alleles (0.000062%); highest among the groups gnomAD compares: African/African-American, 0.0013%; no homozygotes.

Submissions (2):

Labcorp Genetics (formerly Invitae), Labcorp
Classification: Likely benign for Developmental and epileptic encephalopathy, 12. Last evaluated: 2023-08-17. Review status: criteria provided, single submitter. Criteria: Invitae Variant Classification Sherloc (09022015). Collection method: clinical testing. Allele origin: germline.

GeneDx
Classification: Likely benign. Last evaluated: 2017-02-01. Review status: criteria provided, single submitter. Criteria: GeneDx Variant Classification (06012015). Collection method: clinical testing. Allele origin: germline. Affected: yes.
Comment: This variant is considered likely benign or benign based on one or more of the following criteria: it is a conservative change, it occurs at a poorly conserved position in the protein, it is predicted to be benign by multiple in silico algorithms, and/or has population frequency not consistent with disease.